The following is an entry in ClinVar:

ClinVar aggregate classification (germline): Uncertain significance (1 of 4 stars; one submission).

Submission:

Labcorp Genetics (formerly Invitae), Labcorp
Classification: Uncertain significance. Last evaluated: 2025-09-10. Review status: criteria provided, single submitter. Criteria: Invitae Variant Classification Sherloc (09022015). Collection method: clinical testing. Allele origin: germline.
Comment: This sequence change replaces cysteine, which is neutral and slightly polar, with serine, which is neutral and polar, at codon 2240 of the ARID1B protein (p.Cys2240Ser). This variant is not present in population databases (gnomAD no frequency). This variant has not been reported in the literature in individuals affected with ARID1B-related conditions. Invitae Evidence Modeling of protein sequence and biophysical properties (such as structural, functional, and spatial information, amino acid conservation, physicochemical variation, residue mobility, and thermodynamic stability) indicates that this missense variant is not expected to disrupt ARID1B protein function with a negative predictive value of 95%. In summary, the available evidence is currently insufficient to determine the role of this variant in disease. Therefore, it has been classified as a Variant of Uncertain Significance.

NM_001374828.1(ARID1B):c.7088G>C (p.Cys2363Ser)

Gene: ARID1B (AT-rich interaction domain 1B; plus strand). Cytogenetic location: 6q25.3.
Variant type: single nucleotide variant.
Coding change: c.7088G>C on transcript NM_001374828.1 (MANE Select); coding-DNA position 7088, G replaced by C.
Protein change: p.Cys2363Ser; replaces cysteine 2363 with serine.
Molecular consequence: missense variant.
Genome position (GRCh38, 1-based): chr6:157,207,860, G>C. VCF-style: chr6-157207860-G-C. GRCh37 (hg19) VCF-style: chr6-157528994-G-C.
Other names: c.4589G>C, p.Cys1530Ser (NM_001363725.2); c.6968G>C, p.Cys2323Ser (NM_001371656.1, NM_001374820.1); c.7217G>C, p.Cys2406Ser (NM_001438482.1); c.7130G>C, p.Cys2377Ser (NM_001438483.1); c.6998G>C, p.Cys2333Ser (NM_001438485.1); c.6971G>C, p.Cys2324Ser (NM_001438486.1); c.6908G>C, p.Cys2303Ser (NM_001438487.1); c.4430G>C, p.Cys1477Ser (NM_001438488.1); and 1 more; short protein forms C1477S, C1530S, C2303S, C2310S, C2323S, C2324S, C2333S, C2363S.
Identifiers: ClinVar variation 4808090 (VCV004808090.1).